The following is an entry in ClinVar:

ClinVar aggregate classification (germline): Uncertain significance. Review status: criteria provided, multiple submitters, no conflicts (2 of 4 stars). 3 submissions from 3 submitters: Uncertain significance (3). Last evaluated 2024-06-12.

Conditions:
Joubert syndrome. Also called: Familial aplasia of the vermis; CEREBELLOPARENCHYMAL DISORDER IV; JOUBERT-BOLTSHAUSER SYNDROME. Identifiers: Orphanet 475, MedGen C5979921, MONDO:0018772.
Joubert syndrome 3 (JBTS3). Also called: AHI1-related Ciliopathy. Identifiers: Orphanet 220493, MedGen C1837713, MONDO:0012078, OMIM 608629.

Allele frequency attached by ClinVar (database versions not stated): ExAC 0.00002; gnomAD 0.00003 and 0.00004; gnomAD exomes 0.00003; TOPMed 0.00008.
gnomAD v4.1: 28 of 1,583,632 alleles (0.0018%); highest among the groups gnomAD compares: Middle Eastern, 0.017%; no homozygotes.

Submissions (3):

Fulgent Genetics
Classification: Uncertain significance for Joubert syndrome 3. Last evaluated: 2024-06-12. Review status: criteria provided, single submitter. Criteria: ACMG Guidelines, 2015. Collection method: clinical testing. Allele origin: germline.

GeneDx
Classification: Uncertain significance. Last evaluated: 2023-07-31. Review status: criteria provided, single submitter. Criteria: GeneDx Variant Classification Process June 2021. Collection method: clinical testing. Allele origin: germline. Affected: yes.
Comment: In silico analysis supports that this missense variant does not alter protein structure/function; Has not been previously published as pathogenic or benign to our knowledge; This variant is associated with the following publications: (PMID: 15467982)

Labcorp Genetics (formerly Invitae), Labcorp
Classification: Uncertain significance for Joubert syndrome. Last evaluated: 2022-07-06. Review status: criteria provided, single submitter. Criteria: Invitae Variant Classification Sherloc (09022015). Collection method: clinical testing. Allele origin: germline.
Comment: This sequence change replaces isoleucine, which is neutral and non-polar, with valine, which is neutral and non-polar, at codon 803 of the AHI1 protein (p.Ile803Val). This variant is present in population databases (rs763696602, gnomAD 0.02%). This variant has not been reported in the literature in individuals affected with AHI1-related conditions. ClinVar contains an entry for this variant (Variation ID: 1055770). Advanced modeling of protein sequence and biophysical properties (such as structural, functional, and spatial information, amino acid conservation, physicochemical variation, residue mobility, and thermodynamic stability) performed at Invitae indicates that this missense variant is not expected to disrupt AHI1 protein function. Algorithms developed to predict the effect of sequence changes on RNA splicing suggest that this variant may create or strengthen a splice site. In summary, the available evidence is currently insufficient to determine the role of this variant in disease. Therefore, it has been classified as a Variant of Uncertain Significance.

NM_001134831.2(AHI1):c.2407A>G (p.Ile803Val)

Gene: AHI1 (Abelson helper integration site 1; minus strand). Cytogenetic location: 6q23.3.
Variant type: single nucleotide variant.
Coding change: c.2407A>G on transcript NM_001134831.2 (MANE Select); coding-DNA position 2407, A replaced by G.
Protein change: p.Ile803Val; replaces isoleucine 803 with valine.
Molecular consequence: missense variant.
Genome position (GRCh38, 1-based): chr6:135,429,967, T>C on the plus strand (A>G on the coding strand, the complement: AHI1 is on the minus strand). VCF-style: chr6-135429967-T-C. GRCh37 (hg19) VCF-style: chr6-135751105-T-C.
Other names: c.2407A>G, p.Ile803Val (NM_001134830.2, NM_001134832.2, NM_001350503.2 and 2 more transcripts); short protein forms I803V.
Identifiers: ClinVar variation 1055770 (VCV001055770.9), dbSNP rs763696602, ClinGen allele CA4012380.